The following is an entry in ClinVar:

ClinVar aggregate classification (germline): Uncertain significance (1 of 4 stars; one submission).

Submission:

Ambry Genetics
Classification: Uncertain significance. Last evaluated: 2025-06-16. Review status: criteria provided, single submitter. Criteria: Ambry Variant Classification Scheme 2023. Collection method: clinical testing. Allele origin: germline.
Comment: The p.Q22R variant (also known as c.65A>G), located in coding exon 1 of the RNF43 gene, results from an A to G substitution at nucleotide position 65. The glutamine at codon 22 is replaced by arginine, an amino acid with highly similar properties. This amino acid position is conserved. In addition, this alteration is predicted to be tolerated by in silico analysis. Based on the available evidence, the clinical significance of this variant remains unclear.

NM_017763.6(RNF43):c.65A>G (p.Gln22Arg)

Gene: RNF43 (ring finger protein 43; minus strand). Cytogenetic location: 17q22.
Variant type: single nucleotide variant.
Coding change: c.65A>G on transcript NM_017763.6 (MANE Select); coding-DNA position 65, A replaced by G.
Protein change: p.Gln22Arg; replaces glutamine 22 with arginine.
Molecular consequence: missense variant. On other transcripts: intron variant (1).
Genome position (GRCh38, 1-based): chr17:58,415,513, T>C on the plus strand (A>G on the coding strand, the complement: RNF43 is on the minus strand). VCF-style: chr17-58415513-T-C. GRCh37 (hg19) VCF-style: chr17-56492874-T-C.
Other names: c.65A>G, p.Gln22Arg (NM_001305544.3, NM_001438820.1, NM_001438821.1 and 1 more transcripts); c.-130+1504A>G (NM_001437987.1); short protein forms Q22R.
Identifiers: ClinVar variation 4155721 (VCV004155721.1).